The following is an entry in ClinVar:

NM_006031.6(PCNT):c.5655G>A (p.Ala1885=)

Gene: PCNT (pericentrin; plus strand). Cytogenetic location: 21q22.3.
Variant type: single nucleotide variant.
Coding change: c.5655G>A on transcript NM_006031.6 (MANE Select); coding-DNA position 5655, G replaced by A.
Protein change: p.Ala1885=; no amino-acid change (alanine 1885 retained).
Molecular consequence: synonymous variant.
Genome position (GRCh38, 1-based): chr21:46,411,728, G>A. VCF-style: chr21-46411728-G-A. GRCh37 (hg19) VCF-style: chr21-47831642-G-A.
Other names: c.5301G>A, p.Ala1767= (NM_001315529.2); c.5655G>A (NM_006031.5).
Identifiers: ClinVar variation 2997845 (VCV002997845.4), dbSNP rs745495825, ClinGen allele CA10080050.

ClinVar aggregate classification (germline): Likely benign. Review status: criteria provided, single submitter (1 of 4 stars). 2 submissions from 2 submitters: Likely benign (1). 1 of the submissions does not count toward it. Last evaluated 2023-12-23.

Conditions:
PCNT-related disorder. Also called: PCNT-related condition.

Allele frequency attached by ClinVar (database versions not stated): gnomAD exomes below 0.00001; ExAC 0.00001; TOPMed 0.00001.
gnomAD v4.1: 7 of 1,612,084 alleles (0.00043%); highest among the groups gnomAD compares: African/African-American, 0.004%; no homozygotes.

Submissions (2):

Labcorp Genetics (formerly Invitae), Labcorp
Classification: Likely benign. Last evaluated: 2023-12-23. Review status: criteria provided, single submitter. Criteria: Invitae Variant Classification Sherloc (09022015). Collection method: clinical testing. Allele origin: germline.

PreventionGenetics, part of Exact Sciences
Classification: Likely benign for PCNT-related condition. Last evaluated: 2024-07-15. Review status: no assertion criteria provided. Collection method: clinical testing. Allele origin: germline. Not counted in ClinVar's aggregate classification.
Comment: This variant is classified as likely benign based on ACMG/AMP sequence variant interpretation guidelines (Richards et al. 2015 PMID: 25741868, with internal and published modifications).